The following is an entry in ClinVar:

NM_001134407.3(GRIN2A):c.4229C>T (p.Ser1410Leu)

Gene: GRIN2A (glutamate ionotropic receptor NMDA type subunit 2A; minus strand). Cytogenetic location: 16p13.2.
Variant type: single nucleotide variant.
Coding change: c.4229C>T on transcript NM_001134407.3 (MANE Select); coding-DNA position 4229, C replaced by T.
Protein change: p.Ser1410Leu; replaces serine 1410 with leucine.
Molecular consequence: missense variant. On other transcripts: 3 prime UTR variant (1).
Genome position (GRCh38, 1-based): chr16:9,763,315, G>A on the plus strand (C>T on the coding strand, the complement: GRIN2A is on the minus strand). VCF-style: chr16-9763315-G-A. GRCh37 (hg19) VCF-style: chr16-9857172-G-A.
Other names: c.4229C>T (NM_000833.3); c.4229C>T, p.Ser1410Leu (NM_000833.5); c.*40C>T (NM_001134408.2); short protein forms S1410L.
Identifiers: ClinVar variation 620016 (VCV000620016.10), dbSNP rs1555481986, ClinGen allele CA394705667.
Genomic context (GRCh38, chr16:9,763,315, plus strand): 5'-GGCATAACATGCTCCGAAATATACACATCATTGTGGCCCCGACTGTCCCTGGAACAGTAC[G>A]ATGCCGTTGACCTCAAGGACGACCGAAGATAGCTGTCATTCACCGCCTGGGATGGCAACG-3'
Protein context (NP_001127879.1, residues 1400-1420): YLRSSLRSTA[Ser1410Leu]YCSRDSRGHN

ClinVar aggregate classification (germline): Uncertain significance. Review status: criteria provided, multiple submitters, no conflicts (2 of 4 stars). 3 submissions from 3 submitters: Uncertain significance (3). Last evaluated 2023-10-23.

Conditions:
Landau-Kleffner syndrome (FESD). Also called: EPILEPSY, FOCAL, WITH SPEECH DISORDER AND WITH OR WITHOUT MENTAL RETARDATION; APHASIA, ACQUIRED, WITH EPILEPSY. Identifiers: Orphanet 1945, Orphanet 725, Orphanet 98818, MedGen C0282512, MONDO:0009509, OMIM 245570.

Allele frequency attached by ClinVar (database versions not stated): TOPMed below 0.00001.
gnomAD v4.1: 5 of 1,614,116 alleles (0.00031%); highest among the groups gnomAD compares: Non-Finnish European, 0.00042%; no homozygotes.

Submissions (3):

GeneDx
Classification: Uncertain significance. Last evaluated: 2023-10-23. Review status: criteria provided, single submitter. Criteria: GeneDx Variant Classification Process June 2021. Collection method: clinical testing. Allele origin: germline. Affected: yes.
Comment: Not observed at significant frequency in large population cohorts (gnomAD); In silico analysis supports that this missense variant does not alter protein structure/function; Has not been previously published as pathogenic or benign to our knowledge

Labcorp Genetics (formerly Invitae), Labcorp
Classification: Uncertain significance for Landau-Kleffner syndrome. Last evaluated: 2021-05-26. Review status: criteria provided, single submitter. Criteria: Invitae Variant Classification Sherloc (09022015). Collection method: clinical testing. Allele origin: germline.
Comment: In summary, the available evidence is currently insufficient to determine the role of this variant in disease. Therefore, it has been classified as a Variant of Uncertain Significance. Advanced modeling of protein sequence and biophysical properties (such as structural, functional, and spatial information, amino acid conservation, physicochemical variation, residue mobility, and thermodynamic stability) performed at Invitae indicates that this missense variant is not expected to disrupt GRIN2A protein function. This variant has been observed in individual(s) with clinical features of GRIN2A-related conditions (Invitae). ClinVar contains an entry for this variant (Variation ID: 620016). This variant is not present in population databases (ExAC no frequency). This sequence change replaces serine with leucine at codon 1410 of the GRIN2A protein (p.Ser1410Leu). The serine residue is moderately conserved and there is a large physicochemical difference between serine and leucine.

Cytogénomique, Hospices Civils de Lyon
Classification: Uncertain significance for Landau-Kleffner syndrome. Last evaluated: 2017-08-08. Review status: criteria provided, single submitter. Criteria: ACMG Guidelines, 2015. Collection method: clinical testing. Allele origin: maternal. Inheritance: Autosomal dominant inheritance. Affected: yes.